The following is an entry in ClinVar:

NM_152383.5(DIS3L2):c.2426A>G (p.Lys809Arg)

Gene: DIS3L2 (DIS3 like 3'-5' exoribonuclease 2; plus strand). Cytogenetic location: 2q37.1.
Variant type: single nucleotide variant.
Coding change: c.2426A>G on transcript NM_152383.5 (MANE Select); coding-DNA position 2426, A replaced by G.
Protein change: p.Lys809Arg; replaces lysine 809 with arginine.
Molecular consequence: missense variant. On other transcripts: non-coding transcript variant (2), intron variant (1).
Genome position (GRCh38, 1-based): chr2:232,335,804, A>G. VCF-style: chr2-232335804-A-G. GRCh37 (hg19) VCF-style: chr2-233200514-A-G.
Other names: c.1582-7541A>G (NM_001257281.2); short protein forms K809R.
Identifiers: ClinVar variation 463107 (VCV000463107.9), dbSNP rs775531488, ClinGen allele CA350978201.

ClinVar aggregate classification (germline): Uncertain significance (1 of 4 stars; one submission).

Conditions:
Perlman syndrome (PRLMNS). Identifiers: Orphanet 2849, MedGen C0796113, MONDO:0009965, OMIM 267000.

Submission:

Labcorp Genetics (formerly Invitae), Labcorp
Classification: Uncertain significance for Perlman syndrome. Last evaluated: 2024-07-05. Review status: criteria provided, single submitter. Criteria: Invitae Variant Classification Sherloc (09022015). Collection method: clinical testing. Allele origin: germline.
Comment: This sequence change replaces lysine, which is basic and polar, with arginine, which is basic and polar, at codon 809 of the DIS3L2 protein (p.Lys809Arg). This variant is not present in population databases (gnomAD no frequency). This variant has not been reported in the literature in individuals affected with DIS3L2-related conditions. ClinVar contains an entry for this variant (Variation ID: 463107). Advanced modeling of protein sequence and biophysical properties (such as structural, functional, and spatial information, amino acid conservation, physicochemical variation, residue mobility, and thermodynamic stability) performed at Invitae indicates that this missense variant is not expected to disrupt DIS3L2 protein function with a negative predictive value of 80%. In summary, the available evidence is currently insufficient to determine the role of this variant in disease. Therefore, it has been classified as a Variant of Uncertain Significance.